The following is an entry in ClinVar:

ClinVar aggregate classification (germline): Likely benign. Review status: criteria provided, multiple submitters, no conflicts (2 of 4 stars). 4 submissions from 4 submitters: Likely benign (4). Last evaluated 2026-05-12.

Conditions:
Osteogenesis imperfecta type I (OI1). Also called: OSTEOGENESIS IMPERFECTA WITH BLUE SCLERAE; Osteogenesis imperfecta type 1; Lobstein's Disease; OI, TYPE I; OSTEOGENESIS IMPERFECTA TARDA; Classic Non-deforming Osteogenesis Imperfecta with Blue Sclerae. Identifiers: Orphanet 216796, Orphanet 666, MedGen C0023931, MONDO:0008146, OMIM 166200. Disease mechanism: loss of function.
COL1A1-related disorder. Also called: COL1A1- related disease; COL1A1-related condition.

Allele frequency attached by ClinVar (database versions not stated): gnomAD 0.00004; gnomAD exomes 0.00004 and 0.00005; TOPMed 0.00005; ExAC 0.00009.
gnomAD v4.1: 64 of 1,600,632 alleles (0.004%); highest among the groups gnomAD compares: East Asian, 0.014%; 1 homozygote.

Submissions (4):

PreventionGenetics, part of Exact Sciences
Classification: Likely benign for COL1A1-related condition. Last evaluated: 2026-05-12. Review status: criteria provided, single submitter. Criteria: ACMG Guidelines, 2015. Collection method: clinical testing. Allele origin: germline.
Comment: This variant is classified as likely benign based on ACMG/AMP sequence variant interpretation guidelines (Richards et al. 2015 PMID: 25741868, with internal and published modifications).

Labcorp Genetics (formerly Invitae), Labcorp
Classification: Likely benign for Osteogenesis imperfecta type I. Last evaluated: 2025-11-13. Review status: criteria provided, single submitter. Criteria: Invitae Variant Classification Sherloc (09022015). Collection method: clinical testing. Allele origin: germline.

Blueprint Genetics
Classification: Likely benign. Last evaluated: 2022-12-22. Review status: criteria provided, single submitter. Criteria: ACMG Guidelines, 2015. Collection method: clinical testing. Allele origin: germline.

GeneDx
Classification: Likely benign. Last evaluated: 2017-12-28. Review status: criteria provided, single submitter. Criteria: GeneDx Variant Classification (06012015). Collection method: clinical testing. Allele origin: germline. Affected: yes.
Comment: This variant is considered likely benign or benign based on one or more of the following criteria: it is a conservative change, it occurs at a poorly conserved position in the protein, it is predicted to be benign by multiple in silico algorithms, and/or has population frequency not consistent with disease.

NM_000088.4(COL1A1):c.1515+20G>A

Gene: COL1A1 (collagen type I alpha 1 chain; minus strand). Cytogenetic location: 17q21.33.
Variant type: single nucleotide variant.
Coding change: c.1515+20G>A on transcript NM_000088.4 (MANE Select); 20 bases into the intron after coding-DNA position 1515, G replaced by A.
Molecular consequence: intron variant.
Genome position (GRCh38, 1-based): chr17:50,194,553, C>T on the plus strand (G>A on the coding strand, the complement: COL1A1 is on the minus strand). VCF-style: chr17-50194553-C-T. GRCh37 (hg19) VCF-style: chr17-48271914-C-T.
Identifiers: ClinVar variation 508970 (VCV000508970.9), dbSNP rs373728987, ClinGen allele CA8645224.